The following is an entry in ClinVar:

ClinVar aggregate classification (germline): Uncertain significance (1 of 4 stars; one submission).

gnomAD v4.1: 5 of 1,599,114 alleles (0.00031%); highest among the groups gnomAD compares: Non-Finnish European, 0.00043%; no homozygotes.

Submission:

Ambry Genetics
Classification: Uncertain significance. Last evaluated: 2025-03-06. Review status: criteria provided, single submitter. Criteria: Ambry Variant Classification Scheme 2023. Collection method: clinical testing. Allele origin: germline.
Comment: The p.T1511N variant (also known as c.4532C>A), located in coding exon 19 of the WNK2 gene, results from a C to A substitution at nucleotide position 4532. The threonine at codon 1511 is replaced by asparagine, an amino acid with similar properties. This amino acid position is conserved. In addition, this alteration is predicted to be tolerated by in silico analysis. Based on the available evidence, the clinical significance of this variant remains unclear.

NM_006648.4(WNK2):c.4532C>A (p.Thr1511Asn)

Gene: WNK2 (WNK lysine deficient protein kinase 2; plus strand). Cytogenetic location: 9q22.31.
Variant type: single nucleotide variant.
Coding change: c.4532C>A on transcript NM_006648.4 (MANE Select); coding-DNA position 4532, C replaced by A.
Protein change: p.Thr1511Asn; replaces threonine 1511 with asparagine.
Molecular consequence: missense variant.
Genome position (GRCh38, 1-based): chr9:93,289,286, C>A. VCF-style: chr9-93289286-C-A. GRCh37 (hg19) VCF-style: chr9-96051568-C-A.
Other names: c.4643C>A, p.Thr1548Asn (NM_001282394.3); short protein forms T1548N, T1511N.
Identifiers: ClinVar variation 3817218 (VCV003817218.1).